The following is an entry in ClinVar:

ClinVar aggregate classification (germline): Likely benign (1 of 4 stars; one submission).

Submission:

CeGaT Center for Human Genetics Tuebingen
Classification: Likely benign. Last evaluated: 2025-10-01. Review status: criteria provided, single submitter. Criteria: CeGaT Center For Human Genetics Tuebingen Variant Classification Criteria Version 2. Collection method: clinical testing. Allele origin: germline. Affected: yes. Observed: 2 variant alleles.
Comment: PLIN4: BP4, BP7

NM_001367868.2(PLIN4):c.2472G>C (p.Val824=)

Gene: PLIN4 (perilipin 4; minus strand). Cytogenetic location: 19p13.3.
Variant type: single nucleotide variant.
Coding change: c.2472G>C on transcript NM_001367868.2 (MANE Select); coding-DNA position 2472, G replaced by C.
Protein change: p.Val824=; no amino-acid change (valine 824 retained).
Molecular consequence: synonymous variant.
Genome position (GRCh38, 1-based): chr19:4,511,488, C>G on the plus strand (G>C on the coding strand, the complement: PLIN4 is on the minus strand). VCF-style: chr19-4511488-C-G. GRCh37 (hg19) VCF-style: chr19-4511500-C-G.
Other names: c.2475G>C, p.Val825= (NM_001393888.1, NM_001393889.1); c.2472G>C, p.Val824= (NM_001393890.1, NM_001393891.1).
Identifiers: ClinVar variation 4084318 (VCV004084318.8).
Genomic context (GRCh38, chr19:4,511,488, plus strand): 5'-CTTGGCCACGTTCGCAGCACCGGTGACCCCACTGCAGACAGTGTCCTTGGTACCGGTCAG[C>G]ACGGTCTTGGCCGTGTCTACACCCATCTGGACGGCCCCCTTGGCCACATTCGCAGCACCG-3'
Protein context (NP_001354797.1, residues 814-834): VQMGVDTAKT[Val824=]LTGTKDTVCS